The following is an entry in ClinVar:

NM_005120.3(MED12):c.6279ACAGCA[1] (p.Gln2114_Gln2115del)

Gene: MED12 (mediator complex subunit 12; plus strand). Cytogenetic location: Xq13.1.
Variant type: Microsatellite.
Coding change: c.6279ACAGCA[1] on transcript NM_005120.3 (MANE Select); one copy of the 6-base unit ACAGCA starting at c.6279; the reference has two copies in a row; one copy, 6 bases deleted.
Protein change: p.Gln2114_Gln2115del.
Molecular consequence: inframe deletion.
Genome position (GRCh38, 1-based): chrX:71,141,247-71,141,252, ACAGCA deleted; deleting any 6 consecutive bases within chrX:71,141,236-71,141,252 gives the same sequence; the position shown is the placement nearest the transcript's 3' end. VCF-style (leftmost placement, unchanged base first): chrX-71141235-GCAGCAA-G. GRCh37 (hg19) VCF-style: chrX-70361085-GCAGCAA-G.
Identifiers: ClinVar variation 2037586 (VCV002037586.5), dbSNP rs761195801, ClinGen allele CA645606552.

ClinVar aggregate classification (germline): Uncertain significance. Review status: criteria provided, multiple submitters, no conflicts (2 of 4 stars). 2 submissions from 2 submitters: Uncertain significance (2). Last evaluated 2024-09-18.

Conditions:
FG syndrome (FGS). Identifiers: MedGen C0220769, MONDO:0002010.

Submissions (2):

Blueprint Genetics
Classification: Uncertain significance. Last evaluated: 2024-09-18. Review status: criteria provided, single submitter. Criteria: ACMG Guidelines, 2015. Collection method: clinical testing. Allele origin: germline.

Labcorp Genetics (formerly Invitae), Labcorp
Classification: Uncertain significance for FG syndrome. Last evaluated: 2024-08-02. Review status: criteria provided, single submitter. Criteria: Invitae Variant Classification Sherloc (09022015). Collection method: clinical testing. Allele origin: germline.
Comment: This variant, c.6285_6290del, results in the deletion of 2 amino acid(s) of the MED12 protein (p.Gln2114_Gln2115del), but otherwise preserves the integrity of the reading frame. This variant is not present in population databases (gnomAD no frequency). This variant has not been reported in the literature in individuals affected with MED12-related conditions. Experimental studies and prediction algorithms are not available or were not evaluated, and the functional significance of this variant is currently unknown. In summary, the available evidence is currently insufficient to determine the role of this variant in disease. Therefore, it has been classified as a Variant of Uncertain Significance.